The following is an entry in ClinVar:

ClinVar aggregate classification (germline): Likely benign (0 of 4 stars; one submission).

Conditions:
OLR1-related disorder. Also called: OLR1-related condition.

Allele frequency attached by ClinVar (database versions not stated): gnomAD exomes 0.00003; ExAC 0.00012; gnomAD 0.00036; ESP Exome Variant Server 0.00038; 1000 Genomes Project 0.00040; 1000 Genomes Project 30x 0.00047; TOPMed 0.00048.

Submission:

PreventionGenetics, part of Exact Sciences
Classification: Likely benign for OLR1-related condition. Last evaluated: 2019-06-19. Review status: no assertion criteria provided. Collection method: clinical testing. Allele origin: germline.
Comment: This variant is classified as likely benign based on ACMG/AMP sequence variant interpretation guidelines (Richards et al. 2015 PMID: 25741868, with internal and published modifications).

NM_002543.4(OLR1):c.424+9A>G

Gene: OLR1 (oxidized low density lipoprotein receptor 1; minus strand). Cytogenetic location: 12p13.2.
Variant type: single nucleotide variant.
Coding change: c.424+9A>G on transcript NM_002543.4 (MANE Select); 9 bases into the intron after coding-DNA position 424, A replaced by G.
Molecular consequence: intron variant.
Genome position (GRCh38, 1-based): chr12:10,166,703, T>C on the plus strand (A>G on the coding strand, the complement: OLR1 is on the minus strand). VCF-style: chr12-10166703-T-C. GRCh37 (hg19) VCF-style: chr12-10319302-T-C.
Other names: c.424+9A>G (NM_001172632.2, NM_001172633.2).
Identifiers: ClinVar variation 3033267 (VCV003033267.2), dbSNP rs184465084, ClinGen allele CA6444340.